The following is an entry in ClinVar:

ClinVar aggregate classification (germline): Likely pathogenic (1 of 4 stars; one submission).

Conditions:
Cardiovascular phenotype. Identifiers: MedGen CN230736.

Submission:

Ambry Genetics
Classification: Likely pathogenic for Cardiovascular phenotype. Last evaluated: 2021-02-19. Review status: criteria provided, single submitter. Criteria: Ambry Variant Classification Scheme 2023. Collection method: clinical testing. Allele origin: germline.
Comment: The c.59797delA variant, located in coding exon 154 of the TTN gene, results from a deletion of one nucleotide at nucleotide position 59797, causing a translational frameshift with a predicted alternate stop codon (p.T19933Pfs*8). This exon is located in the A-band region of the N2-B isoform of the titin protein and is constitutively expressed in TTN transcripts (percent spliced in or PSI 100%). This variant was not reported in population-based cohorts in the Genome Aggregation Database (gnomAD). This alteration is expected to result in loss of function by premature protein truncation or nonsense-mediated mRNA decay. While truncating variants in TTN are present in 1-3% of the general population, truncating variants in the A-band are the most common cause of dilated cardiomyopathy (DCM) (Herman DS et al. N. Engl. J. Med., 2012 Feb;366:619-28; Roberts AM et al. Sci Transl Med, 2015 Jan;7:270ra6). TTN truncating variants encoded in constitutive exons (PSI >90%) have been found to be significantly associated with DCM regardless of their position in titin (Schafer S et al. Nat. Genet., 2017 01;49:46-53). As such, this alteration is classified as likely pathogenic

NM_001267550.2(TTN):c.86992del (p.Thr28998fs)

Genes: TTN (titin; minus strand), TTN-AS1 (TTN antisense RNA 1; plus strand). Cytogenetic location: 2q31.2.
Variant type: Deletion.
Coding change: c.86992del on transcript NM_001267550.2 (MANE Select); coding-DNA position 86992, one base deleted (A; older notation c.86992delA).
Protein change: p.Thr28998fs; shifts the reading frame from threonine 28998.
Molecular consequence: frameshift variant.
Genome position (GRCh38, 1-based): chr2:178,558,467, T deleted on the plus strand (A on the coding strand, the reverse complement: TTN is on the minus strand); the first of 2 consecutive T bases (chr2:178,558,467-178,558,468); deleting either gives the same sequence. VCF-style (leftmost placement, unchanged base first): chr2-178558466-GT-G. GRCh37 (hg19) VCF-style: chr2-179423193-GT-G.
Other names: c.82069del, p.Thr27357fs (NM_001256850.1); c.59797del, p.Thr19933fs (NM_003319.4); c.79288del, p.Thr26430fs (NM_133378.4); c.60172del, p.Thr20058fs (NM_133432.3); c.60373del, p.Thr20125fs (NM_133437.4); c.59797delA (NM_003319.4); short protein forms T20125fs, T26430fs, T27357fs, T28998fs, T19933fs, T20058fs.
Identifiers: ClinVar variation 1750805 (VCV001750805.2), dbSNP rs2469572245, ClinGen allele CA2580064787.